The following is an entry in ClinVar:

NM_004364.5(CEBPA):c.171G>T (p.Glu57Asp)

Gene: CEBPA (CCAAT enhancer binding protein alpha; minus strand). Cytogenetic location: 19q13.11.
Variant type: single nucleotide variant.
Coding change: c.171G>T on transcript NM_004364.5 (MANE Select); coding-DNA position 171, G replaced by T.
Protein change: p.Glu57Asp; replaces glutamic acid 57 with aspartic acid.
Molecular consequence: missense variant. On other transcripts: 5 prime UTR variant (1).
Genome position (GRCh38, 1-based): chr19:33,302,244, C>A on the plus strand (G>T on the coding strand, the complement: CEBPA is on the minus strand). VCF-style: chr19-33302244-C-A. GRCh37 (hg19) VCF-style: chr19-33793150-C-A.
Other names: c.-187G>T (NM_001285829.2); c.276G>T, p.Glu92Asp (NM_001287424.2); c.129G>T, p.Glu43Asp (NM_001287435.2); short protein forms E43D, E57D, E92D.
Identifiers: ClinVar variation 2861070 (VCV002861070.5), dbSNP rs1967195766, ClinGen allele CA405275530.
Genomic context (GRCh38, chr19:33,302,244, plus strand): 5'-GAACTCGTCGTTGAAGGCGGCCGGGTCGATGTAGGCGCTGATGTCGATGGACGTCTCGTG[C>A]TCGCAGATGCCGCCCAGCGGCTCCGGGGCGGCAGGTGGGGCGGGAGGCTGCGCGGGGCCC-3'
Protein context (NP_004355.2, residues 47-67): AAPEPLGGIC[Glu57Asp]HETSIDISAY

ClinVar aggregate classification (germline): Conflicting classifications of pathogenicity. Review status: criteria provided, conflicting classifications (1 of 4 stars). 2 submissions from 2 submitters: Uncertain significance (1); Likely benign (1). Last evaluated 2025-06-26.

Conditions:
Acute myeloid leukemia (AML). Also called: Acute myeloid leukemia, adult; AML adult; Acute non-lymphocytic leukemia; Acute granulocytic leukemia; Leukemia, acute myeloid, somatic; Leukemia, acute myelogenous, somatic. Identifiers: Orphanet 519, MedGen C0023467, MeSH D015470, MONDO:0018874, OMIM 601626, HP:0004808. Disease mechanism: Constitutively activated FLT3.
Inborn genetic diseases. Identifiers: MedGen C0950123, MeSH D030342.

gnomAD v4.1: 1 of 1,490,290 alleles (0.000067%); highest among the groups gnomAD compares: Non-Finnish European, 0.00009%; no homozygotes.

Submissions (2):

Ambry Genetics
Classification: Likely benign for Inborn genetic diseases. Last evaluated: 2025-06-26. Review status: criteria provided, single submitter. Criteria: Ambry Variant Classification Scheme 2023. Collection method: clinical testing. Allele origin: germline.

Labcorp Genetics (formerly Invitae), Labcorp
Classification: Uncertain significance for Acute myeloid leukemia. Last evaluated: 2023-05-01. Review status: criteria provided, single submitter. Criteria: Invitae Variant Classification Sherloc (09022015). Collection method: clinical testing. Allele origin: germline.
Comment: In summary, the available evidence is currently insufficient to determine the role of this variant in disease. Therefore, it has been classified as a Variant of Uncertain Significance. This sequence change replaces glutamic acid, which is acidic and polar, with aspartic acid, which is acidic and polar, at codon 57 of the CEBPA protein (p.Glu57Asp). This variant is not present in population databases (gnomAD no frequency). This variant has not been reported in the literature in individuals affected with CEBPA-related conditions. Advanced modeling of protein sequence and biophysical properties (such as structural, functional, and spatial information, amino acid conservation, physicochemical variation, residue mobility, and thermodynamic stability) performed at Invitae indicates that this missense variant is not expected to disrupt CEBPA protein function.